The following is an entry in ClinVar:

NM_199355.4(ADAMTS18):c.3230T>G (p.Met1077Arg)

Gene: ADAMTS18 (ADAM metallopeptidase with thrombospondin type 1 motif 18; minus strand). Cytogenetic location: 16q23.1.
Variant type: single nucleotide variant.
Coding change: c.3230T>G on transcript NM_199355.4 (MANE Select); coding-DNA position 3230, T replaced by G.
Protein change: p.Met1077Arg; replaces methionine 1077 with arginine.
Molecular consequence: missense variant.
Genome position (GRCh38, 1-based): chr16:77,291,438, A>C on the plus strand (T>G on the coding strand, the complement: ADAMTS18 is on the minus strand). VCF-style: chr16-77291438-A-C. GRCh37 (hg19) VCF-style: chr16-77325335-A-C.
Other names: c.2714T>G, p.Met905Arg (NM_001326358.2); short protein forms M1077R, M905R.
Identifiers: ClinVar variation 837871 (VCV000837871.6), dbSNP rs569725212, ClinGen allele CA8180534.

ClinVar aggregate classification (germline): Uncertain significance (1 of 4 stars; one submission).

Allele frequency attached by ClinVar (database versions not stated): ExAC 0.00007; gnomAD 0.00008 and 0.00009; TOPMed 0.00008; gnomAD exomes 0.00010.

Submission:

Labcorp Genetics (formerly Invitae), Labcorp
Classification: Uncertain significance. Last evaluated: 2024-05-06. Review status: criteria provided, single submitter. Criteria: Invitae Variant Classification Sherloc (09022015). Collection method: clinical testing. Allele origin: germline.
Comment: This sequence change replaces methionine, which is neutral and non-polar, with arginine, which is basic and polar, at codon 1077 of the ADAMTS18 protein (p.Met1077Arg). This variant is present in population databases (rs569725212, gnomAD 0.02%). This variant has not been reported in the literature in individuals affected with ADAMTS18-related conditions. ClinVar contains an entry for this variant (Variation ID: 837871). An algorithm developed to predict the effect of missense changes on protein structure and function (PolyPhen-2) suggests that this variant¬†is likely to be tolerated. In summary, the available evidence is currently insufficient to determine the role of this variant in disease. Therefore, it has been classified as a Variant of Uncertain Significance.